The following is an entry in ClinVar:

NM_006659.4(TUBGCP2):c.1335A>G (p.Lys445=)

Gene: TUBGCP2 (tubulin gamma complex component 2; minus strand). Cytogenetic location: 10q26.3.
Variant type: single nucleotide variant.
Coding change: c.1335A>G on transcript NM_006659.4 (MANE Select); coding-DNA position 1335, A replaced by G.
Protein change: p.Lys445=; no amino-acid change (lysine 445 retained).
Molecular consequence: synonymous variant. On other transcripts: non-coding transcript variant (1).
Genome position (GRCh38, 1-based): chr10:133,289,849, T>C on the plus strand (A>G on the coding strand, the complement: TUBGCP2 is on the minus strand). VCF-style: chr10-133289849-T-C. GRCh37 (hg19) VCF-style: chr10-135103353-T-C.
Other names: NC_000010.10:g.135103353T>C; c.1419A>G (NM_001256617.1); c.1419A>G, p.Lys473= (NM_001256617.2); c.945A>G, p.Lys315= (NM_001256618.2).
Identifiers: ClinVar variation 2641014 (VCV002641014.26), dbSNP rs148388653, ClinGen allele CA5764063.

ClinVar aggregate classification (germline): Likely benign. Review status: criteria provided, multiple submitters, no conflicts (2 of 4 stars). 2 submissions from 2 submitters: Likely benign (2). Last evaluated 2025-11-01.

Conditions:
TUBGCP2-related disorder. Also called: TUBGCP2-related condition.

Allele frequency attached by ClinVar (database versions not stated): 1000 Genomes Project 30x 0.00016; 1000 Genomes Project 0.00020; TOPMed 0.00065; ESP Exome Variant Server 0.00069; ExAC 0.00084; gnomAD exomes 0.00194; gnomAD 0.00533.
gnomAD v4.1: 1,793 of 904,232 alleles (0.2%); highest among the groups gnomAD compares: Non-Finnish European, 0.25%; 1 homozygote.

Submissions (3):

CeGaT Center for Human Genetics Tuebingen
Classification: Likely benign. Last evaluated: 2025-11-01. Review status: criteria provided, single submitter. Criteria: CeGaT Center For Human Genetics Tuebingen Variant Classification Criteria Version 2. Collection method: clinical testing. Allele origin: germline. Affected: yes. Observed: 4 variant alleles.
Comment: TUBGCP2: BP4, BP7

PreventionGenetics, part of Exact Sciences
Classification: Likely benign for TUBGCP2-related condition. Last evaluated: 2025-04-17. Review status: criteria provided, single submitter. Criteria: ACMG Guidelines, 2015. Collection method: clinical testing. Allele origin: germline.
Comment: This variant is classified as likely benign based on ACMG/AMP sequence variant interpretation guidelines (Richards et al. 2015 PMID: 25741868, with internal and published modifications).

Dr. Peter K. Rogan Lab, Western University
No classification provided (evidence only). Condition: Malignant tumor of urinary bladder. Review status: no classification provided. Collection method: in vitro. Allele origin: not applicable. Functional consequence: retained intron. Not counted in ClinVar's aggregate classification.